The following is an entry in ClinVar:

NM_004006.3(DMD):c.4345A>T (p.Lys1449Ter)

Gene: DMD (dystrophin; minus strand). Cytogenetic location: Xp21.1.
Variant type: single nucleotide variant.
Coding change: c.4345A>T on transcript NM_004006.3 (MANE Select); coding-DNA position 4345, A replaced by T.
Protein change: p.Lys1449Ter; replaces lysine 1449 with a stop codon.
Molecular consequence: nonsense.
Genome position (GRCh38, 1-based): chrX:32,389,674, T>A on the plus strand (A>T on the coding strand, the complement: DMD is on the minus strand). VCF-style: chrX-32389674-T-A. GRCh37 (hg19) VCF-style: chrX-32407791-T-A.
Other names: c.4321A>T, p.Lys1441Ter (NM_000109.4); c.4333A>T, p.Lys1445Ter (NM_004009.3); c.3976A>T, p.Lys1326Ter (NM_004010.3); c.322A>T, p.Lys108Ter (NM_004011.4); c.313A>T, p.Lys105Ter (NM_004012.4); short protein forms K108*, K1326*, K1449*, K1441*, K105*, K1445*.
Identifiers: ClinVar variation 1432376 (VCV001432376.9), dbSNP rs2147613866, ClinGen allele CA412663825.

ClinVar aggregate classification (germline): Pathogenic/Likely pathogenic. Review status: criteria provided, multiple submitters, no conflicts (2 of 4 stars). 2 submissions from 2 submitters: Pathogenic (1); Likely pathogenic (1). Last evaluated 2022-01-08.

Conditions:
Progressive muscular dystrophy. Identifiers: Orphanet 206644, MedGen C4551827, MONDO:0016106.
Duchenne muscular dystrophy (DMD). Also called: MUSCULAR DYSTROPHY, PSEUDOHYPERTROPHIC PROGRESSIVE, DUCHENNE TYPE; Duchenne Muscular Dystrophy (DMD). Identifiers: Orphanet 98896, MedGen C0013264, MONDO:0010679, OMIM 310200.

Submissions (2):

Myriad Genetics, Inc.
Classification: Likely pathogenic for Progressive muscular dystrophy. Last evaluated: 2022-01-08. Review status: criteria provided, single submitter. Criteria: Myriad Autosomal Dominant, Autosomal Recessive and X-Linked Classification Criteria (2023). Collection method: clinical testing. Allele origin: unknown.
Comment: NM_004006.2(DMD):c.4345A>T(K1449*) is expected to be pathogenic in the context of dystrophinopathy (including Duchenne/Becker muscular dystrophy). This variant is predicted to lead to an abnormal or absent protein product due to the creation of a premature termination codon in DMD, a gene where loss-of-function variants are known to be pathogenic. Please note: this variant was assessed in the context of healthy population screening.

Labcorp Genetics (formerly Invitae), Labcorp
Classification: Pathogenic for Duchenne muscular dystrophy. Last evaluated: 2021-10-31. Review status: criteria provided, single submitter. Criteria: Invitae Variant Classification Sherloc (09022015). Collection method: clinical testing. Allele origin: germline.
Comment: For these reasons, this variant has been classified as Pathogenic. Algorithms developed to predict the effect of sequence changes on RNA splicing suggest that this variant may disrupt the consensus splice site. This variant has not been reported in the literature in individuals affected with DMD-related conditions. This variant is not present in population databases (gnomAD no frequency). This sequence change creates a premature translational stop signal (p.Lys1449*) in the DMD gene. It is expected to result in an absent or disrupted protein product. Loss-of-function variants in DMD are known to be pathogenic (PMID: 16770791, 25007885).

Literature cited by the submitters: PubMed 16770791 (cited by Labcorp Genetics (formerly Invitae), Labcorp); PubMed 25007885 (cited by Labcorp Genetics (formerly Invitae), Labcorp).